The following is an entry in ClinVar:

ClinVar aggregate classification (germline): Uncertain significance. Review status: criteria provided, multiple submitters, no conflicts (2 of 4 stars). 4 submissions from 4 submitters: Uncertain significance (4). Last evaluated 2024-11-20.

Conditions:
Inborn genetic diseases. Identifiers: MedGen C0950123, MeSH D030342.
Glycogen storage disease IXb (GSD9B). Also called: GLYCOGENOSIS OF LIVER AND MUSCLE, AUTOSOMAL RECESSIVE; GSD IXb; PHOSPHORYLASE KINASE DEFICIENCY OF LIVER AND MUSCLE, AUTOSOMAL RECESSIVE. Identifiers: Orphanet 79240, MedGen C0543514, MONDO:0009868, OMIM 261750.

Allele frequency attached by ClinVar (database versions not stated): gnomAD 0.00011 and 0.00012; TOPMed 0.00011; ExAC 0.00013; ESP Exome Variant Server 0.00015; gnomAD exomes 0.00015.
gnomAD v4.1: 351 of 1,610,708 alleles (0.022%); highest among the groups gnomAD compares: Non-Finnish European, 0.028%; no homozygotes.

Submissions (4):

Ambry Genetics
Classification: Uncertain significance for Inborn genetic diseases. Last evaluated: 2024-11-20. Review status: criteria provided, single submitter. Criteria: Ambry Variant Classification Scheme 2023. Collection method: clinical testing. Allele origin: germline.

Mayo Clinic Laboratories, Mayo Clinic
Classification: Uncertain significance. Last evaluated: 2024-04-03. Review status: criteria provided, single submitter. Criteria: ACMG Guidelines, 2015. Collection method: clinical testing. Allele origin: germline. Observed: 1 variant allele.

Labcorp Genetics (formerly Invitae), Labcorp
Classification: Uncertain significance for Glycogen storage disease IXb. Last evaluated: 2022-07-03. Review status: criteria provided, single submitter. Criteria: Invitae Variant Classification Sherloc (09022015). Collection method: clinical testing. Allele origin: germline.
Comment: This sequence change replaces aspartic acid, which is acidic and polar, with asparagine, which is neutral and polar, at codon 581 of the PHKB protein (p.Asp581Asn). This variant is present in population databases (rs202127217, gnomAD 0.03%). This variant has not been reported in the literature in individuals affected with PHKB-related conditions. ClinVar contains an entry for this variant (Variation ID: 1343464). Algorithms developed to predict the effect of missense changes on protein structure and function are either unavailable or do not agree on the potential impact of this missense change (SIFT: "Deleterious"; PolyPhen-2: "Benign"; Align-GVGD: "Class C0"). In summary, the available evidence is currently insufficient to determine the role of this variant in disease. Therefore, it has been classified as a Variant of Uncertain Significance.

Women's Health and Genetics/Laboratory Corporation of America, LabCorp
Classification: Uncertain significance. Last evaluated: 2022-02-17. Review status: criteria provided, single submitter. Criteria: LabCorp Variant Classification Summary - May 2015. Collection method: clinical testing. Allele origin: germline.

NM_000293.3(PHKB):c.1741G>A (p.Asp581Asn)

Gene: PHKB (phosphorylase kinase regulatory subunit beta; plus strand). Cytogenetic location: 16q12.1.
Variant type: single nucleotide variant.
Coding change: c.1741G>A on transcript NM_000293.3 (MANE Select); coding-DNA position 1741, G replaced by A.
Protein change: p.Asp581Asn; replaces aspartic acid 581 with asparagine.
Molecular consequence: missense variant.
Genome position (GRCh38, 1-based): chr16:47,649,148, G>A. VCF-style: chr16-47649148-G-A. GRCh37 (hg19) VCF-style: chr16-47683059-G-A.
Other names: p.Asp581Asn; c.1720G>A, p.Asp574Asn (NM_001031835.3); c.1741G>A, p.Asp581Asn (NM_001363837.1); short protein forms D574N, D581N.
Identifiers: ClinVar variation 1343464 (VCV001343464.9), dbSNP rs202127217, ClinGen allele CA8040948.